The following is an entry in ClinVar:

ClinVar aggregate classification (germline): Benign. Review status: criteria provided, multiple submitters, no conflicts (2 of 4 stars). 3 submissions from 3 submitters: Benign (3). Last evaluated 2026-07-01.

Conditions:
Glycogen storage disease, type II (IOPD). Also called: CARDIOMEGALIA GLYCOGENICA DIFFUSA; GLYCOGENOSIS, GENERALIZED, CARDIAC FORM; GSD II; Glycogen storage disease type 2; Acid maltase deficiency disease; Aglucosidase alfa. Identifiers: Orphanet 365, MedGen C0017921, MONDO:0009290, OMIM 232300.

Allele frequency attached by ClinVar (database versions not stated): 1000 Genomes Project 30x 0.59775; 1000 Genomes Project 0.59924; TOPMed 0.63480; gnomAD 0.65436 and 0.65439; gnomAD exomes 0.70462.
gnomAD v4.1: 608,506 of 874,292 alleles (70%); highest among the groups gnomAD compares: Middle Eastern, 79%; 214,820 homozygotes.

Submissions (3):

Genomenon, Inc
Classification: Benign for Glycogen storage disease, type II. Last evaluated: 2026-07-01. Review status: criteria provided, single submitter. Criteria: Genomenon Sequence Variant Interpretation Standards - Updated. Collection method: curation. Allele origin: germline. Affected: no.
Comment: GAA c.1438-108G>A is an intronic variant located in intron 9. This variant is present at high allele frequency in population databases. We classify GAA c.1438-108G>A as a benign variant.

Genome-Nilou Lab
Classification: Benign for Glycogen storage disease, type II. Last evaluated: 2021-06-10. Review status: criteria provided, single submitter. Criteria: ACMG Guidelines, 2015. Collection method: clinical testing. Allele origin: germline. Affected: no.

GeneDx
Classification: Benign. Last evaluated: 2018-06-23. Review status: criteria provided, single submitter. Criteria: GeneDx Variant Classification Process June 2021. Collection method: clinical testing. Allele origin: germline. Affected: yes.

NM_000152.5(GAA):c.1438-108G>A

Gene: GAA (alpha glucosidase; plus strand). Cytogenetic location: 17q25.3.
Variant type: single nucleotide variant.
Coding change: c.1438-108G>A on transcript NM_000152.5 (MANE Select); 108 bases into the intron before coding-DNA position 1438, G replaced by A.
Molecular consequence: intron variant.
Genome position (GRCh38, 1-based): chr17:80,110,619, G>A. VCF-style: chr17-80110619-G-A. GRCh37 (hg19) VCF-style: chr17-78084418-G-A.
Other names: c.1438-108G>A (NM_001079803.3, NM_001079804.3).
Identifiers: ClinVar variation 1172939 (VCV001172939.6), dbSNP rs12944802, ClinGen allele CA14489563.